The following is an entry in ClinVar:

ClinVar aggregate classification (germline): Uncertain significance (1 of 4 stars; one submission).

Submission:

Dasa
Classification: Uncertain significance. Last evaluated: 2024-07-06. Review status: criteria provided, single submitter. Criteria: DASA Assertion Criteria. Collection method: clinical testing. Allele origin: germline.
Comment: NM_001322839.2(KCNMA1):c.685T>C (p.Cys229Arg) is a missense variant that results in the substitution of cysteine with arginine. This variant is rare in population databases. The currently available literature and clinical evidence are not sufficient to establish a definitive association between this variant and the reported condition. Therefore, this variant is classified as a variant of uncertain significance.

NM_001161352.2(KCNMA1):c.378+889T>C

Gene: KCNMA1 (potassium calcium-activated channel subfamily M alpha 1; minus strand). Cytogenetic location: 10q22.3.
Variant type: single nucleotide variant.
Coding change: c.378+889T>C on transcript NM_001161352.2 (MANE Select); 889 bases into the intron after coding-DNA position 378, T replaced by C.
Molecular consequence: intron variant. On other transcripts: 3 prime UTR variant (3), missense variant (1).
Genome position (GRCh38, 1-based): chr10:77,636,376, A>G on the plus strand (T>C on the coding strand, the complement: KCNMA1 is on the minus strand). VCF-style: chr10-77636376-A-G. GRCh37 (hg19) VCF-style: chr10-79396134-A-G.
Other names: c.*367T>C (NM_001271520.2); c.*185T>C (NM_001271521.2); c.*11T>C (NM_001271522.2); c.685T>C, p.Cys229Arg (NM_001322839.2); c.378+889T>C (NM_001271518.2, NM_001322832.2, NM_001410940.1 and 11 more transcripts); short protein forms C229R.
Identifiers: ClinVar variation 4882505 (VCV004882505.2).
Genomic context (GRCh38, chr10:77,636,376, plus strand): 5'-AGTGAGCCTAGCAACCATACATCGAAGGTGTCGCCAGCCTCAGTGCCGGTGGGCGTCTGC[A>G]CCAGGAATAGCTAAAGCCGACGACATCTAGCCACCTCGAGCGCCAGGGAAGACGCTCCGC-3'